The following is an entry in ClinVar:

NM_205836.3(FBXO38):c.1511A>G (p.Asn504Ser)

Gene: FBXO38 (F-box protein 38; plus strand). Cytogenetic location: 5q32.
Variant type: single nucleotide variant.
Coding change: c.1511A>G on transcript NM_205836.3 (MANE Select); coding-DNA position 1511, A replaced by G.
Protein change: p.Asn504Ser; replaces asparagine 504 with serine.
Molecular consequence: missense variant.
Genome position (GRCh38, 1-based): chr5:148,417,097, A>G. VCF-style: chr5-148417097-A-G. GRCh37 (hg19) VCF-style: chr5-147796660-A-G.
Other names: c.1511A>G, p.Asn504Ser (NM_001271723.2, NM_030793.5); short protein forms N504S.
Identifiers: ClinVar variation 3608730 (VCV003608730.2).
Genomic context (GRCh38, chr5:148,417,097, plus strand): 5'-TTTCATCAGCTCTTGTTAGCAACCAGAACTCCAACAATGACGATAATAATGCCCAGAATA[A>G]CAATGCCAACATCCACGACAACAATCACCATCATCCAGATGACTCAGACGAGGAGAATGA-3'
Protein context (NP_995308.1, residues 494-514): SNNDDNNAQN[Asn504Ser]NANIHDNNHH

ClinVar aggregate classification (germline): Uncertain significance (1 of 4 stars; one submission).

Conditions:
Distal hereditary motor neuropathy type 2. Identifiers: Orphanet 139525, MedGen C3711384, MeSH C580044, MONDO:0015352.

gnomAD v4.1: 5 of 1,613,608 alleles (0.00031%); highest among the groups gnomAD compares: Non-Finnish European, 0.00042%; no homozygotes.

Submission:

Labcorp Genetics (formerly Invitae), Labcorp
Classification: Uncertain significance for Distal hereditary motor neuropathy type 2. Last evaluated: 2024-02-23. Review status: criteria provided, single submitter. Criteria: Invitae Variant Classification Sherloc (09022015). Collection method: clinical testing. Allele origin: germline.
Comment: This sequence change replaces asparagine, which is neutral and polar, with serine, which is neutral and polar, at codon 504 of the FBXO38 protein (p.Asn504Ser). This variant is not present in population databases (gnomAD no frequency). This variant has not been reported in the literature in individuals affected with FBXO38-related conditions. Advanced modeling of protein sequence and biophysical properties (such as structural, functional, and spatial information, amino acid conservation, physicochemical variation, residue mobility, and thermodynamic stability) performed at Invitae indicates that this missense variant is not expected to disrupt FBXO38 protein function with a negative predictive value of 80%. In summary, the available evidence is currently insufficient to determine the role of this variant in disease. Therefore, it has been classified as a Variant of Uncertain Significance.